The following is an entry in ClinVar:

ClinVar aggregate classification (germline): Likely benign. Review status: criteria provided, multiple submitters, no conflicts (2 of 4 stars). 5 submissions from 5 submitters: Likely benign (5). Last evaluated 2026-08-01.

Conditions:
Cornelia de Lange syndrome 1 (CDLS1). Also called: TYPUS DEGENERATIVUS AMSTELODAMENSIS; NIPBL-Related Cornelia de Lange Syndrome; Brachmann de Lange syndrome. Identifiers: Orphanet 199, MedGen C4551851, MONDO:0007387, OMIM 122470.
Inborn genetic diseases. Identifiers: MedGen C0950123, MeSH D030342.

Allele frequency attached by ClinVar (database versions not stated): ExAC 0.00013; gnomAD exomes 0.00015 and 0.00038; 1000 Genomes Project 30x 0.00016; gnomAD 0.00019; 1000 Genomes Project 0.00020; TOPMed 0.00022; ESP Exome Variant Server 0.00023.
gnomAD v4.1: 583 of 1,613,806 alleles (0.036%); highest among the groups gnomAD compares: Non-Finnish European, 0.046%; 1 homozygote.

Submissions (5):

CeGaT Center for Human Genetics Tuebingen
Classification: Likely benign. Last evaluated: 2026-08-01. Review status: criteria provided, single submitter. Criteria: CeGaT Center For Human Genetics Tuebingen Variant Classification Criteria Version 2. Collection method: clinical testing. Allele origin: germline. Affected: yes. Observed: 1 variant allele.
Comment: NIPBL: BP4, BP7

Labcorp Genetics (formerly Invitae), Labcorp
Classification: Likely benign for Cornelia de Lange syndrome 1. Last evaluated: 2025-12-03. Review status: criteria provided, single submitter. Criteria: Invitae Variant Classification Sherloc (09022015). Collection method: clinical testing. Allele origin: germline.

Blueprint Genetics
Classification: Likely benign. Last evaluated: 2024-08-12. Review status: criteria provided, single submitter. Criteria: ACMG Guidelines, 2015. Collection method: clinical testing. Allele origin: germline.

Illumina Laboratory Services, Illumina
Classification: Likely benign for Cornelia de Lange syndrome 1. Last evaluated: 2018-01-13. Review status: criteria provided, single submitter. Criteria: ICSL Variant Classification Criteria 13 December 2019. Collection method: clinical testing. Allele origin: germline.
Comment: This variant was observed in the ICSL laboratory as part of a predisposition screen in an ostensibly healthy population. It had not been previously curated by ICSL or reported in the Human Gene Mutation Database (HGMD: prior to June 1st, 2018), and was therefore a candidate for classification through an automated scoring system. Utilizing variant allele frequency, disease prevalence and penetrance estimates, and inheritance mode, an automated score was calculated to assess if this variant is too frequent to cause the disease. Based on the score and internal cut-off values, a variant classified as likely benign is not then subjected to further curation. The score for this variant resulted in a classification of likely benign for this disease.

Ambry Genetics
Classification: Likely benign for Inborn genetic diseases. Last evaluated: 2017-06-15. Review status: criteria provided, single submitter. Criteria: Ambry Variant Classification Scheme 2023. Collection method: clinical testing. Allele origin: germline.

NM_133433.4(NIPBL):c.1992C>T (p.Asn664=)

Gene: NIPBL (NIPBL cohesin loading factor; plus strand). Cytogenetic location: 5p13.2.
Variant type: single nucleotide variant.
Coding change: c.1992C>T on transcript NM_133433.4 (MANE Select); coding-DNA position 1992, C replaced by T.
Protein change: p.Asn664=; no amino-acid change (asparagine 664 retained).
Molecular consequence: synonymous variant.
Genome position (GRCh38, 1-based): chr5:36,985,172, C>T. VCF-style: chr5-36985172-C-T. GRCh37 (hg19) VCF-style: chr5-36985274-C-T.
Other names: c.1992C>T, p.Asn664= (NM_015384.5).
Identifiers: ClinVar variation 904962 (VCV000904962.17), dbSNP rs116049172, ClinGen allele CA3236110.